The following is an entry in ClinVar:

NM_001377.3(DYNC2H1):c.195G>T (p.Thr65=)

Gene: DYNC2H1 (dynein cytoplasmic 2 heavy chain 1; plus strand). Cytogenetic location: 11q22.3.
Variant type: single nucleotide variant.
Coding change: c.195G>T on transcript NM_001377.3 (MANE Select); coding-DNA position 195, G replaced by T.
Protein change: p.Thr65=; no amino-acid change (threonine 65 retained).
Molecular consequence: synonymous variant.
Genome position (GRCh38, 1-based): chr11:103,109,769, G>T. VCF-style: chr11-103109769-G-T. GRCh37 (hg19) VCF-style: chr11-102980498-G-T.
Other names: c.195G>T, p.Thr65= (NM_001080463.2).
Identifiers: ClinVar variation 446561 (VCV000446561.4), dbSNP rs896105030, ClinGen allele CA227396086.
Genomic context (GRCh38, chr11:103,109,769, plus strand): 5'-CGGCAACCAGATGCTCCTCAGGGTGCAGCGATCCGACGCAGGAATCTCCTTTTCCAACAC[G>T]GTACGGTTCCTTGCACTCCTGCCTGACCCCTGACCACTCTTCAAGTCCCCAGGCCCAGCC-3'
Protein context (NP_001368.2, residues 55-75): RSDAGISFSN[Thr65=]IEFGDTKDKV

ClinVar aggregate classification (germline): Likely pathogenic. Review status: criteria provided, single submitter (1 of 4 stars). 3 submissions from 3 submitters: Likely pathogenic (1). 2 of the submissions do not count toward it. Last evaluated 2025-10-29.

Conditions:
Jeune thoracic dystrophy. Also called: Jeune syndrome; Infantile thoracic dystrophy; Thoracic pelvic phalangeal dystrophy; Jeune's syndrome; Chondroectodermal dysplasia-like syndrome; Short-rib thoracic dysplasia. Identifiers: Orphanet 474, MedGen C0265275, MONDO:0018770.
Asphyxiating thoracic dystrophy 3. Also called: POLYDACTYLY WITH NEONATAL CHONDRODYSTROPHY, TYPE I; Saldino-Noonan Syndrome; Short rib polydactyly syndrome 2B; SHORT-RIB THORACIC DYSPLASIA 3/6 WITH POLYDACTYLY, DIGENIC; SHORT-RIB THORACIC DYSPLASIA 3 WITH OR WITHOUT POLYDACTYLY. Identifiers: Orphanet 474, Orphanet 93269, Orphanet 93270, Orphanet 93271, MedGen C0036069, MONDO:0013127, OMIM 613091.

Allele frequency attached by ClinVar (database versions not stated): gnomAD exomes below 0.00001.
gnomAD v4.1: 2 of 1,611,630 alleles (0.00012%); highest among the groups gnomAD compares: Non-Finnish European, 0.00017%; no homozygotes.

Submissions (3):

Labcorp Genetics (formerly Invitae), Labcorp
Classification: Likely pathogenic for Jeune thoracic dystrophy. Last evaluated: 2025-10-29. Review status: criteria provided, single submitter. Criteria: Invitae Variant Classification Sherloc (09022015). Collection method: clinical testing. Allele origin: germline.
Comment: This sequence change affects codon 65 of the DYNC2H1 mRNA. It is a 'silent' change, meaning that it does not change the encoded amino acid sequence of the DYNC2H1 protein. This variant also falls at the last nucleotide of exon 1, which is part of the consensus splice site for this exon. This variant is not present in population databases (gnomAD no frequency). This variant has been observed in individual(s) with Jeune asphyxiating thoracic dystrophy and/or short-rib polydactyly syndrome III (PMID: 23456818, 29068549). In at least one individual the data is consistent with being in trans (on the opposite chromosome) from a pathogenic variant. ClinVar contains an entry for this variant (Variation ID: 446561). Variants that disrupt the consensus splice site are a relatively common cause of aberrant splicing (PMID: 17576681, 9536098). Algorithms developed to predict the effect of sequence changes on RNA splicing suggest that this variant may disrupt the consensus splice site. In summary, the currently available evidence indicates that the variant is pathogenic, but additional data are needed to prove that conclusively. Therefore, this variant has been classified as Likely Pathogenic.

Dan Cohn Lab, University Of California Los Angeles
Classification: Pathogenic for Asphyxiating thoracic dystrophy 3. Last evaluated: 2017-06-01. Review status: no assertion criteria provided. Collection method: research. Allele origin: maternal. Affected: yes. Not counted in ClinVar's aggregate classification.

University of Washington Center for Mendelian Genomics, University of Washington
Classification: Likely pathogenic for Asphyxiating thoracic dystrophy 3. Review status: no assertion criteria provided. Collection method: research. Allele origin: inherited. Affected: yes. Not counted in ClinVar's aggregate classification.

Literature cited by the submitters: PubMed 23456818 (cited by Labcorp Genetics (formerly Invitae), Labcorp); PubMed 29068549 (cited by 3 submitters); PubMed 17576681 (cited by Labcorp Genetics (formerly Invitae), Labcorp); PubMed 9536098 (cited by Labcorp Genetics (formerly Invitae), Labcorp).